The following is an entry in ClinVar:

NM_001166108.2(PALLD):c.727T>C (p.Tyr243His)

Gene: PALLD (palladin, cytoskeletal associated protein; plus strand). Cytogenetic location: 4q32.3.
Variant type: single nucleotide variant.
Coding change: c.727T>C on transcript NM_001166108.2 (MANE Select); coding-DNA position 727, T replaced by C.
Protein change: p.Tyr243His; replaces tyrosine 243 with histidine.
Molecular consequence: missense variant.
Genome position (GRCh38, 1-based): chr4:168,512,231, T>C. VCF-style: chr4-168512231-T-C. GRCh37 (hg19) VCF-style: chr4-169433382-T-C.
Other names: c.727T>C, p.Tyr243His (NM_016081.4); short protein forms Y243H.
Identifiers: ClinVar variation 1758067 (VCV001758067.3), dbSNP rs2531435987, ClinGen allele CA358728103.

ClinVar aggregate classification (germline): Uncertain significance (1 of 4 stars; one submission).

Allele frequency attached by ClinVar (database versions not stated): gnomAD exomes below 0.00001.
gnomAD v4.1: 3 of 1,613,876 alleles (0.00019%); highest among the groups gnomAD compares: African/African-American, 0.0013%; no homozygotes.

Submission:

Ambry Genetics
Classification: Uncertain significance. Last evaluated: 2024-07-09. Review status: criteria provided, single submitter. Criteria: Ambry Variant Classification Scheme 2023. Collection method: clinical testing. Allele origin: germline.
Comment: The p.Y243H variant (also known as c.727T>C), located in coding exon 1 of the PALLD gene, results from a T to C substitution at nucleotide position 727. The tyrosine at codon 243 is replaced by histidine, an amino acid with similar properties. This amino acid position is conserved. In addition, this alteration is predicted to be tolerated by in silico analysis. Since supporting evidence is limited at this time, the clinical significance of this alteration remains unclear.